The following is an entry in ClinVar:

ClinVar aggregate classification (germline): Uncertain significance (1 of 4 stars; one submission).

Conditions:
Inborn genetic diseases. Identifiers: MedGen C0950123, MeSH D030342.

Submission:

Ambry Genetics
Classification: Uncertain significance for Inborn genetic diseases. Last evaluated: 2025-03-24. Review status: criteria provided, single submitter. Criteria: Ambry Variant Classification Scheme 2023. Collection method: clinical testing. Allele origin: germline.
Comment: The p.A326V variant (also known as c.977C>T), located in coding exon 6 of the G6PC3 gene, results from a C to T substitution at nucleotide position 977. The alanine at codon 326 is replaced by valine, an amino acid with similar properties. This amino acid position is conserved. In addition, this alteration is predicted to be tolerated by in silico analysis. Based on the available evidence, the clinical significance of this variant remains unclear.

NM_138387.4(G6PC3):c.977C>T (p.Ala326Val)

Gene: G6PC3 (glucose-6-phosphatase catalytic subunit 3; plus strand). Cytogenetic location: 17q21.31.
Variant type: single nucleotide variant.
Coding change: c.977C>T on transcript NM_138387.4 (MANE Select); coding-DNA position 977, C replaced by T.
Protein change: p.Ala326Val; replaces alanine 326 with valine.
Molecular consequence: missense variant. On other transcripts: 3 prime UTR variant (1).
Genome position (GRCh38, 1-based): chr17:44,075,979, C>T. VCF-style: chr17-44075979-C-T. GRCh37 (hg19) VCF-style: chr17-42153347-C-T.
Other names: c.*270C>T (NM_001319945.2); c.632C>T, p.Ala211Val (NM_001384165.1, NM_001384166.1, NM_001384167.1 and 1 more transcripts); short protein forms A326V, A211V.
Identifiers: ClinVar variation 4027564 (VCV004027564.1).
Genomic context (GRCh38, chr17:44,075,979, plus strand): 5'-TCAGCCTCTTCTACATTTTCAATTTCCTCAAGTACACCCTCTGGCCATGCCTAGTCCTGG[C>T]CCTCGTGCCCTGGGCAGTGCACATGTTCAGTGCCCAGGAAGCACCGCCCATCCACTCTTC-3'
Protein context (NP_612396.1, residues 316-336): KYTLWPCLVL[Ala326Val]LVPWAVHMFS